The following is an entry in ClinVar:

ClinVar aggregate classification (germline): Uncertain significance. Review status: criteria provided, multiple submitters, no conflicts (2 of 4 stars). 2 submissions from 2 submitters: Uncertain significance (2). Last evaluated 2025-03-26.

Allele frequency attached by ClinVar (database versions not stated): gnomAD exomes 0.00001; TOPMed 0.00001; gnomAD 0.00003.

Submissions (2):

Ambry Genetics
Classification: Uncertain significance. Last evaluated: 2025-03-26. Review status: criteria provided, single submitter. Criteria: Ambry Variant Classification Scheme 2023. Collection method: clinical testing. Allele origin: germline.

Labcorp Genetics (formerly Invitae), Labcorp
Classification: Uncertain significance. Last evaluated: 2024-10-24. Review status: criteria provided, single submitter. Criteria: Invitae Variant Classification Sherloc (09022015). Collection method: clinical testing. Allele origin: germline.
Comment: This sequence change replaces arginine, which is basic and polar, with histidine, which is basic and polar, at codon 631 of the MMP9 protein (p.Arg631His). The frequency data for this variant in the population databases is considered unreliable, as metrics indicate poor data quality at this position in the gnomAD database. This variant has not been reported in the literature in individuals affected with MMP9-related conditions. ClinVar contains an entry for this variant (Variation ID: 2183776). Invitae Evidence Modeling of protein sequence and biophysical properties (such as structural, functional, and spatial information, amino acid conservation, physicochemical variation, residue mobility, and thermodynamic stability) indicates that this missense variant is not expected to disrupt MMP9 protein function with a negative predictive value of 80%. In summary, the available evidence is currently insufficient to determine the role of this variant in disease. Therefore, it has been classified as a Variant of Uncertain Significance.

NM_004994.3(MMP9):c.1892G>A (p.Arg631His)

Genes: MMP9 (matrix metallopeptidase 9; plus strand), SLC12A5-AS1 (SLC12A5 and MMP9 antisense RNA 1; minus strand), LOC130065978 (ATAC-STARR-seq lymphoblastoid silent region 12969; plus strand). Cytogenetic location: 20q13.12.
Variant type: single nucleotide variant.
Coding change: c.1892G>A on transcript NM_004994.3 (MANE Select); coding-DNA position 1892, G replaced by A.
Protein change: p.Arg631His; replaces arginine 631 with histidine.
Molecular consequence: missense variant. On other transcripts: non-coding transcript variant (1).
Genome position (GRCh38, 1-based): chr20:46,014,265, G>A. VCF-style: chr20-46014265-G-A. GRCh37 (hg19) VCF-style: chr20-44642904-G-A.
Other names: c.1892G>A (NM_004994.2); short protein forms R631H.
Identifiers: ClinVar variation 2183776 (VCV002183776.5), dbSNP rs1351778542, ClinGen allele CA409225300.